The following is an entry in ClinVar:

NM_020638.3(FGF23):c.46G>A (p.Val16Ile)

Gene: FGF23 (fibroblast growth factor 23; minus strand). Cytogenetic location: 12p13.32.
Variant type: single nucleotide variant.
Coding change: c.46G>A on transcript NM_020638.3 (MANE Select); coding-DNA position 46, G replaced by A.
Protein change: p.Val16Ile; replaces valine 16 with isoleucine.
Molecular consequence: missense variant.
Genome position (GRCh38, 1-based): chr12:4,379,537, C>T on the plus strand (G>A on the coding strand, the complement: FGF23 is on the minus strand). VCF-style: chr12-4379537-C-T. GRCh37 (hg19) VCF-style: chr12-4488703-C-T.
Other names: short protein forms V16I.
Identifiers: ClinVar variation 1472123 (VCV001472123.11), dbSNP rs760118094, ClinGen allele CA6395796.
Genomic context (GRCh38, chr12:4,379,537, plus strand): 5'-AGCTGGAGCCGAGCAGTGGGGAGGCATTGGGATAGGCTCTGAGGACGCTCATGCTGCAGA[C>T]GCTGCACAAGGCACAGACCCAGAGCCTGAGGCGGGCCCCCAACATCGTGCCCTGCTCTGA-3'
Protein context (NP_065689.1, residues 6-26): LRLWVCALCS[Val16Ile]CSMSVLRAYP

ClinVar aggregate classification (germline): Uncertain significance. Review status: criteria provided, multiple submitters, no conflicts (2 of 4 stars). 3 submissions from 3 submitters: Uncertain significance (3). Last evaluated 2024-06-03.

Conditions:
Autosomal dominant hypophosphatemic rickets (ADHR). Also called: HYPOPHOSPHATEMIA, AUTOSOMAL DOMINANT; VITAMIN D-RESISTANT RICKETS, AUTOSOMAL DOMINANT. Identifiers: Orphanet 89937, MedGen C0342642, MONDO:0008660, OMIM 193100.
Tumoral calcinosis, hyperphosphatemic, familial, 2. Identifiers: MedGen C4693863, MONDO:0060714, OMIM 617993.

Allele frequency attached by ClinVar (database versions not stated): gnomAD 0.00002 and 0.00003; gnomAD exomes 0.00002; TOPMed 0.00003; ExAC 0.00004.

Submissions (3):

Fulgent Genetics
Classification: Uncertain significance for Autosomal dominant hypophosphatemic rickets; Tumoral calcinosis, hyperphosphatemic, familial, 2. Last evaluated: 2024-06-03. Review status: criteria provided, single submitter. Criteria: ACMG Guidelines, 2015. Collection method: clinical testing. Allele origin: germline.

Labcorp Genetics (formerly Invitae), Labcorp
Classification: Uncertain significance. Last evaluated: 2023-09-10. Review status: criteria provided, single submitter. Criteria: Invitae Variant Classification Sherloc (09022015). Collection method: clinical testing. Allele origin: germline.
Comment: In summary, the available evidence is currently insufficient to determine the role of this variant in disease. Therefore, it has been classified as a Variant of Uncertain Significance. Advanced modeling of protein sequence and biophysical properties (such as structural, functional, and spatial information, amino acid conservation, physicochemical variation, residue mobility, and thermodynamic stability) has been performed at Invitae for this missense variant, however the output from this modeling did not meet the statistical confidence thresholds required to predict the impact of this variant on FGF23 protein function. ClinVar contains an entry for this variant (Variation ID: 1472123). This variant has not been reported in the literature in individuals affected with FGF23-related conditions. This variant is present in population databases (rs760118094, gnomAD 0.004%). This sequence change replaces valine, which is neutral and non-polar, with isoleucine, which is neutral and non-polar, at codon 16 of the FGF23 protein (p.Val16Ile).

Breakthrough Genomics
Classification: Uncertain significance. Review status: criteria provided, single submitter. Criteria: ACMG Guidelines, 2015. Collection method: not provided. Allele origin: germline. Inheritance: Autosomal recessive inheritance. Affected: yes.